The following is an entry in ClinVar:

NM_006446.5(SLCO1B1):c.*121G>C

Gene: SLCO1B1 (solute carrier organic anion transporter family member 1B1; plus strand). Cytogenetic location: 12p12.1.
Variant type: single nucleotide variant.
Coding change: c.*121G>C on transcript NM_006446.5 (MANE Select); 121 bases downstream of the stop codon, G replaced by C.
Molecular consequence: 3 prime UTR variant.
Genome position (GRCh38, 1-based): chr12:21,239,310, G>C. VCF-style: chr12-21239310-G-C. GRCh37 (hg19) VCF-style: chr12-21392244-G-C.
Identifiers: ClinVar variation 880705 (VCV000880705.4), dbSNP rs74064260, ClinGen allele CA233581540.

ClinVar aggregate classification (germline): Benign (1 of 4 stars; one submission).

Conditions:
Rotor syndrome (HBLRR). Also called: HYPERBILIRUBINEMIA, ROTOR TYPE, DIGENIC; HYPERBILIRUBINEMIA, ROTOR TYPE. Identifiers: Orphanet 3111, MedGen C0220991, MONDO:0009379, OMIM 237450.

Allele frequency attached by ClinVar (database versions not stated): gnomAD exomes 0.00069; 1000 Genomes Project 0.00479; gnomAD 0.00605 and 0.00654; 1000 Genomes Project 30x 0.00687; TOPMed 0.00720.
gnomAD v4.1: 1,370 of 783,268 alleles (0.17%); highest among the groups gnomAD compares: African/African-American, 2.1%; 20 homozygotes.

Submission:

Illumina Laboratory Services, Illumina
Classification: Benign for Rotor syndrome. Last evaluated: 2018-01-13. Review status: criteria provided, single submitter. Criteria: ICSL Variant Classification Criteria 13 December 2019. Collection method: clinical testing. Allele origin: germline.
Comment: This variant was observed in the ICSL laboratory as part of a predisposition screen in an ostensibly healthy population. It had not been previously curated by ICSL or reported in the Human Gene Mutation Database (HGMD: prior to June 1st, 2018), and was therefore a candidate for classification through an automated scoring system. Utilizing variant allele frequency, disease prevalence and penetrance estimates, and inheritance mode, an automated score was calculated to assess if this variant is too frequent to cause the disease. Based on the score and internal cut-off values, a variant classified as benign is not then subjected to further curation. The score for this variant resulted in a classification of benign for this disease.